The following is an entry in ClinVar:

NM_017514.5(PLXNA3):c.1548-6G>T

Gene: PLXNA3 (plexin A3; plus strand). Cytogenetic location: Xq28.
Variant type: single nucleotide variant.
Coding change: c.1548-6G>T on transcript NM_017514.5 (MANE Select); 6 bases into the intron before coding-DNA position 1548, G replaced by T.
Molecular consequence: intron variant.
Genome position (GRCh38, 1-based): chrX:154,463,945, G>T. VCF-style: chrX-154463945-G-T. GRCh37 (hg19) VCF-style: chrX-153692288-G-T.
Identifiers: ClinVar variation 3355681 (VCV003355681.1).

ClinVar aggregate classification (germline): Likely benign (0 of 4 stars; one submission).

Conditions:
PLXNA3-related disorder. Also called: PLXNA3-related condition.

Submission:

PreventionGenetics, part of Exact Sciences
Classification: Likely benign for PLXNA3-related condition. Last evaluated: 2021-09-17. Review status: no assertion criteria provided. Collection method: clinical testing. Allele origin: germline.
Comment: This variant is classified as likely benign based on ACMG/AMP sequence variant interpretation guidelines (Richards et al. 2015 PMID: 25741868, with internal and published modifications).